The following is an entry in ClinVar:

ClinVar aggregate classification (germline): Uncertain significance (1 of 4 stars; one submission).

Conditions:
Cohen syndrome (COH1). Also called: PEPPER SYNDROME; Cutis verticis gyrata, retinitis pigmentosa, and sensorineural deafness. Identifiers: Orphanet 193, MedGen C0265223, MONDO:0008999, OMIM 216550.

Submission:

Labcorp Genetics (formerly Invitae), Labcorp
Classification: Uncertain significance for Cohen syndrome. Last evaluated: 2022-08-10. Review status: criteria provided, single submitter. Criteria: Invitae Variant Classification Sherloc (09022015). Collection method: clinical testing. Allele origin: germline.
Comment: In summary, the available evidence is currently insufficient to determine the role of this variant in disease. Therefore, it has been classified as a Variant of Uncertain Significance. Algorithms developed to predict the effect of missense changes on protein structure and function are either unavailable or do not agree on the potential impact of this missense change (SIFT: "Not Available"; PolyPhen-2: "Benign"; Align-GVGD: "Not Available"). ClinVar contains an entry for this variant (Variation ID: 649353). This variant has not been reported in the literature in individuals affected with VPS13B-related conditions. This variant is not present in population databases (gnomAD no frequency). This sequence change replaces methionine, which is neutral and non-polar, with arginine, which is basic and polar, at codon 2516 of the VPS13B protein (p.Met2516Arg).

NM_152564.5(VPS13B):c.7472T>G (p.Met2491Arg)

Gene: VPS13B (vacuolar protein sorting 13 homolog B; plus strand). Cytogenetic location: 8q22.2.
Variant type: single nucleotide variant.
Coding change: c.7472T>G on transcript NM_152564.5 (MANE Select); coding-DNA position 7472, T replaced by G.
Protein change: p.Met2491Arg; replaces methionine 2491 with arginine.
Molecular consequence: missense variant.
Genome position (GRCh38, 1-based): chr8:99,778,724, T>G. VCF-style: chr8-99778724-T-G. GRCh37 (hg19) VCF-style: chr8-100790952-T-G.
Other names: c.7547T>G, p.Met2516Arg (NM_017890.5); short protein forms M2491R, M2516R.
Identifiers: ClinVar variation 649353 (VCV000649353.8), dbSNP rs1588704212, ClinGen allele CA371876024.